The following is an entry in ClinVar:

ClinVar aggregate classification (germline): Uncertain significance. Review status: criteria provided, multiple submitters, no conflicts (2 of 4 stars). 2 submissions from 2 submitters: Uncertain significance (2). Last evaluated 2026-01-15.

Conditions:
Inborn genetic diseases. Identifiers: MedGen C0950123, MeSH D030342.

gnomAD v4.1: 2 of 1,613,216 alleles (0.00012%); highest among the groups gnomAD compares: Non-Finnish European, 0.00017%; no homozygotes.

Submissions (2):

Ambry Genetics
Classification: Uncertain significance for Inborn genetic diseases. Last evaluated: 2026-01-15. Review status: criteria provided, single submitter. Criteria: Ambry Variant Classification Scheme 2023. Collection method: clinical testing. Allele origin: germline.
Comment: The p.G366D variant (also known as c.1097G>A), located in coding exon 10 of the ANKRD26 gene, results from a G to A substitution at nucleotide position 1097. The glycine at codon 366 is replaced by aspartic acid, an amino acid with similar properties. This amino acid position is conserved. In addition, this alteration is predicted to be tolerated by in silico analysis. Based on the available evidence, the clinical significance of this variant remains unclear.

GeneDx
Classification: Uncertain significance. Last evaluated: 2024-02-16. Review status: criteria provided, single submitter. Criteria: GeneDx Variant Classification Process June 2021. Collection method: clinical testing. Allele origin: germline. Affected: yes.
Comment: Not observed at significant frequency in large population cohorts (gnomAD); In silico analysis supports that this missense variant does not alter protein structure/function; Has not been previously published as pathogenic or benign to our knowledge

NM_014915.3(ANKRD26):c.1097G>A (p.Gly366Asp)

Gene: ANKRD26 (ankyrin repeat domain 26; minus strand). Cytogenetic location: 10p12.1.
Variant type: single nucleotide variant.
Coding change: c.1097G>A on transcript NM_014915.3 (MANE Select); coding-DNA position 1097, G replaced by A.
Protein change: p.Gly366Asp; replaces glycine 366 with aspartic acid.
Molecular consequence: missense variant.
Genome position (GRCh38, 1-based): chr10:27,067,267, C>T on the plus strand (G>A on the coding strand, the complement: ANKRD26 is on the minus strand). VCF-style: chr10-27067267-C-T. GRCh37 (hg19) VCF-style: chr10-27356196-C-T.
Other names: c.1097G>A, p.Gly366Asp (NM_001256053.2); short protein forms G366D.
Identifiers: ClinVar variation 3369398 (VCV003369398.2).
Genomic context (GRCh38, chr10:27,067,267, plus strand): 5'-TTTGTTTGCTCTAGTGGAGCACTTTCAATAATATCAATACCATTTTCTTTTTTTGCAATG[C>T]CTGGCTTTGTTGGTTCTTCCTATTAAAAACAAAAACAAACAAACAAAAAACTTCAGAAAA-3'
Protein context (NP_055730.2, residues 356-376): GLMKEEPTKP[Gly366Asp]IAKKENGIDI